The following is an entry in ClinVar:

ClinVar aggregate classification (germline): Uncertain significance (1 of 4 stars; one submission).

Conditions:
Aortic aneurysm, familial thoracic 8 (AAT8). Identifiers: MedGen C3809513, MONDO:0014187, OMIM 615436.

Submission:

Labcorp Genetics (formerly Invitae), Labcorp
Classification: Uncertain significance for Aortic aneurysm, familial thoracic 8. Last evaluated: 2025-09-22. Review status: criteria provided, single submitter. Criteria: Invitae Variant Classification Sherloc (09022015). Collection method: clinical testing. Allele origin: germline.
Comment: This sequence change replaces glutamic acid, which is acidic and polar, with lysine, which is basic and polar, at codon 17 of the PRKG1 protein (p.Glu17Lys). This variant is not present in population databases (gnomAD no frequency). This variant has not been reported in the literature in individuals affected with PRKG1-related conditions. An algorithm developed to predict the effect of missense changes on protein structure and function (PolyPhen-2) suggests that this variant is likely to be tolerated. In summary, the available evidence is currently insufficient to determine the role of this variant in disease. Therefore, it has been classified as a Variant of Uncertain Significance.

NM_006258.4(PRKG1):c.49G>A (p.Glu17Lys)

Gene: PRKG1 (protein kinase cGMP-dependent 1; plus strand). Cytogenetic location: 10q11.23.
Variant type: single nucleotide variant.
Coding change: c.49G>A on transcript NM_006258.4 (MANE Select); coding-DNA position 49, G replaced by A.
Protein change: p.Glu17Lys; replaces glutamic acid 17 with lysine.
Molecular consequence: missense variant. On other transcripts: intron variant (1).
Genome position (GRCh38, 1-based): chr10:51,074,639, G>A. VCF-style: chr10-51074639-G-A. GRCh37 (hg19) VCF-style: chr10-52834399-G-A.
Other names: c.49G>A, p.Glu17Lys (NM_001374782.1); c.267-78525G>A (NM_001098512.3); short protein forms E17K.
Identifiers: ClinVar variation 4727621 (VCV004727621.1).